The following is an entry in ClinVar:

NM_001135651.3(EIF2AK2):c.535T>A (p.Ser179Thr)

Gene: EIF2AK2 (eukaryotic translation initiation factor 2 alpha kinase 2; minus strand). Cytogenetic location: 2p22.2.
Variant type: single nucleotide variant.
Coding change: c.535T>A on transcript NM_001135651.3 (MANE Select); coding-DNA position 535, T replaced by A.
Protein change: p.Ser179Thr; replaces serine 179 with threonine.
Molecular consequence: missense variant.
Genome position (GRCh38, 1-based): chr2:37,138,567, A>T on the plus strand (T>A on the coding strand, the complement: EIF2AK2 is on the minus strand). VCF-style: chr2-37138567-A-T. GRCh37 (hg19) VCF-style: chr2-37365710-A-T.
Other names: c.535T>A, p.Ser179Thr (NM_001135652.3, NM_002759.4); short protein forms S179T.
Identifiers: ClinVar variation 4281962 (VCV004281962.1).
Genomic context (GRCh38, chr2:37,138,567, plus strand): 5'-ACAGTGTGCTGGTCACTAAAGAGTTGCTTTGGGACTCACACGTAGTAGCAAAAGAACCAG[A>T]GGACAGGTAGTCAGATTTCTGAAAGAAAAAGTATCCCTTAGTAGGCTTAAATACAACTAA-3'
Protein context (NP_001129123.1, residues 169-189): ETSVKSDYLS[Ser179Thr]GSFATTCESQ

ClinVar aggregate classification (germline): Uncertain significance (1 of 4 stars; one submission).

Submission:

GeneDx
Classification: Uncertain significance. Last evaluated: 2025-04-15. Review status: criteria provided, single submitter. Criteria: GeneDx Variant Classification Process June 2021. Collection method: clinical testing. Allele origin: germline. Affected: yes.
Comment: Not observed at significant frequency in large population cohorts (gnomAD); In silico analysis indicates that this missense variant does not alter protein structure/function; Has not been previously published as pathogenic or benign to our knowledge